The following is an entry in ClinVar:

ClinVar aggregate classification (germline): Uncertain significance. Review status: criteria provided, multiple submitters, no conflicts (2 of 4 stars). 3 submissions from 3 submitters: Uncertain significance (3). Last evaluated 2026-01-26.

Conditions:
Hereditary cancer-predisposing syndrome. Also called: Tumor predisposition; Neoplastic Syndromes, Hereditary; Hereditary Cancer Syndrome; Hereditary neoplastic syndrome. Identifiers: Orphanet 140162, MedGen C0027672, MeSH D009386, MONDO:0015356.
Ataxia-telangiectasia syndrome (AT). Also called: ATAXIA-TELANGIECTASIA, COMPLEMENTATION GROUP A; ATAXIA-TELANGIECTASIA, FRESNO VARIANT; Ataxia-telangiectasia; Ataxia-telangiectasia, complementation group D; AT, COMPLEMENTATION GROUP C; Ataxia-telangiectasia, complementation group E. Identifiers: Orphanet 100, MedGen C0004135, MONDO:0008840, OMIM 208900.

Submissions (3):

Ambry Genetics
Classification: Uncertain significance for Hereditary cancer-predisposing syndrome. Last evaluated: 2026-01-26. Review status: criteria provided, single submitter. Criteria: Ambry Variant Classification Scheme 2023. Collection method: clinical testing. Allele origin: germline.
Comment: The p.P2353A variant (also known as c.7057C>G), located in coding exon 47 of the ATM gene, results from a C to G substitution at nucleotide position 7057. The proline at codon 2353 is replaced by alanine, an amino acid with highly similar properties. This amino acid position is conserved. In addition, the in silico prediction for this alteration is inconclusive. Based on the available evidence, the clinical significance of this variant remains unclear.

Labcorp Genetics (formerly Invitae), Labcorp
Classification: Uncertain significance for Ataxia-telangiectasia syndrome. Last evaluated: 2025-11-10. Review status: criteria provided, single submitter. Criteria: Invitae Variant Classification Sherloc (09022015). Collection method: clinical testing. Allele origin: germline.
Comment: This sequence change replaces proline, which is neutral and non-polar, with alanine, which is neutral and non-polar, at codon 2353 of the ATM protein (p.Pro2353Ala). This variant is not present in population databases (gnomAD no frequency). This variant has not been reported in the literature in individuals affected with ATM-related conditions. ClinVar contains an entry for this variant (Variation ID: 862095). Invitae Evidence Modeling of protein sequence and biophysical properties (such as structural, functional, and spatial information, amino acid conservation, physicochemical variation, residue mobility, and thermodynamic stability) has been performed for this missense variant. However, the output from this modeling did not meet the statistical confidence thresholds required to predict the impact of this variant on ATM protein function. In summary, the available evidence is currently insufficient to determine the role of this variant in disease. Therefore, it has been classified as a Variant of Uncertain Significance.

Center for Genomic Medicine, Rigshospitalet, Copenhagen University Hospital
Classification: Uncertain significance. Last evaluated: 2025-03-04. Review status: criteria provided, single submitter. Criteria: ACMG Guidelines, 2015. Collection method: clinical testing. Allele origin: germline.

NM_000051.4(ATM):c.7057C>G (p.Pro2353Ala)

Genes: ATM (ATM serine/threonine kinase; plus strand), C11orf65 (chromosome 11 open reading frame 65; minus strand). Cytogenetic location: 11q22.3.
Variant type: single nucleotide variant.
Coding change: c.7057C>G on transcript NM_000051.4 (MANE Select); coding-DNA position 7057, C replaced by G.
Protein change: p.Pro2353Ala; replaces proline 2353 with alanine.
Molecular consequence: missense variant. On other transcripts: intron variant (2).
Genome position (GRCh38, 1-based): chr11:108,327,726, C>G. VCF-style: chr11-108327726-C-G. GRCh37 (hg19) VCF-style: chr11-108198453-C-G.
Other names: c.7057C>G, p.Pro2353Ala (NM_001351834.2); c.641-18655G>C (NM_001330368.2); c.*38+7494G>C (NM_001351110.2); short protein forms P2353A.
Identifiers: ClinVar variation 862095 (VCV000862095.50), dbSNP rs1591142717, ClinGen allele CA382559005.